The following is an entry in ClinVar:

ClinVar aggregate classification (germline): Uncertain significance. Review status: criteria provided, multiple submitters, no conflicts (2 of 4 stars). 2 submissions from 2 submitters: Uncertain significance (2). Last evaluated 2025-04-14.

Submissions (2):

Labcorp Genetics (formerly Invitae), Labcorp
Classification: Uncertain significance. Last evaluated: 2025-04-14. Review status: criteria provided, single submitter. Criteria: Invitae Variant Classification Sherloc (09022015). Collection method: clinical testing. Allele origin: germline.
Comment: This sequence change replaces alanine, which is neutral and non-polar, with proline, which is neutral and non-polar, at codon 156 of the KIZ protein (p.Ala156Pro). This variant is not present in population databases (gnomAD no frequency). This variant has not been reported in the literature in individuals affected with KIZ-related conditions. ClinVar contains an entry for this variant (Variation ID: 2116928). Experimental studies and prediction algorithms are not available or were not evaluated, and the functional significance of this variant is currently unknown. In summary, the available evidence is currently insufficient to determine the role of this variant in disease. Therefore, it has been classified as a Variant of Uncertain Significance.

Ambry Genetics
Classification: Uncertain significance. Last evaluated: 2023-12-11. Review status: criteria provided, single submitter. Criteria: Ambry Variant Classification Scheme 2023. Collection method: clinical testing. Allele origin: germline.

NM_018474.6(KIZ):c.466G>C (p.Ala156Pro)

Gene: KIZ (kizuna centrosomal protein; plus strand). Cytogenetic location: 20p11.23.
Variant type: single nucleotide variant.
Coding change: c.466G>C on transcript NM_018474.6 (MANE Select); coding-DNA position 466, G replaced by C.
Protein change: p.Ala156Pro; replaces alanine 156 with proline.
Molecular consequence: missense variant.
Genome position (GRCh38, 1-based): chr20:21,161,931, G>C. VCF-style: chr20-21161931-G-C. GRCh37 (hg19) VCF-style: chr20-21142572-G-C.
Other names: c.157G>C, p.Ala53Pro (NM_001163022.3, NM_001352435.2); c.67G>C, p.Ala23Pro (NM_001163023.3); c.319G>C, p.Ala107Pro (NM_001276389.2); c.466G>C, p.Ala156Pro (NM_001352434.2); c.124G>C, p.Ala42Pro (NM_001352436.2); c.466G>C (NM_018474.4); short protein forms A23P, A42P, A53P, A156P, A107P.
Identifiers: ClinVar variation 2116928 (VCV002116928.5), dbSNP rs2519753212, ClinGen allele CA408491326.
Genomic context (GRCh38, chr20:21,161,931, plus strand): 5'-GTTGCAGTGCACGAGGGGATTAACTCAGGAACAGCCATGTCAAGAGGATTGTATCAACCA[G>C]CAACAATCTTTATGGGCCGCCAAATGTCAGCCATCTTAAGCATGAGAGATTTCAGTACAG-3'
Protein context (NP_060944.3, residues 146-166): TAMSRGLYQP[Ala156Pro]TIFMGRQMSA